The following is an entry in ClinVar:

ClinVar aggregate classification (germline): Uncertain significance (1 of 4 stars; one submission).

Submission:

Labcorp Genetics (formerly Invitae), Labcorp
Classification: Uncertain significance. Last evaluated: 2025-08-10. Review status: criteria provided, single submitter. Criteria: Invitae Variant Classification Sherloc (09022015). Collection method: clinical testing. Allele origin: germline.
Comment: This sequence change replaces proline, which is neutral and non-polar, with leucine, which is neutral and non-polar, at codon 12 of the NUP62 protein (p.Pro12Leu). This variant is not present in population databases (gnomAD no frequency). This variant has not been reported in the literature in individuals affected with NUP62-related conditions. Experimental studies and prediction algorithms are not available or were not evaluated, and the functional significance of this variant is currently unknown. In summary, the available evidence is currently insufficient to determine the role of this variant in disease. Therefore, it has been classified as a Variant of Uncertain Significance.

NM_016553.5(NUP62):c.35C>T (p.Pro12Leu)

Genes: IL4I1 (interleukin 4 induced 1; minus strand), NUP62 (nucleoporin 62; minus strand). Cytogenetic location: 19q13.33.
Variant type: single nucleotide variant.
Coding change: c.35C>T on transcript NM_016553.5 (MANE Select); coding-DNA position 35, C replaced by T.
Protein change: p.Pro12Leu; replaces proline 12 with leucine.
Molecular consequence: missense variant. On other transcripts: intron variant (3).
Genome position (GRCh38, 1-based): chr19:49,909,773, G>A on the plus strand (C>T on the coding strand, the complement: NUP62 is on the minus strand). VCF-style: chr19-49909773-G-A. GRCh37 (hg19) VCF-style: chr19-50413030-G-A.
Other names: c.35C>T, p.Pro12Leu (NM_001193357.2, NM_012346.5, NM_153718.4 and 1 more transcripts); c.-227-5452C>T (NM_001258017.2, NM_172374.3); c.-285-5452C>T (NM_001258018.2); short protein forms P12L.
Identifiers: ClinVar variation 4695780 (VCV004695780.1).